The following is an entry in ClinVar:

ClinVar aggregate classification (germline): Uncertain significance. Review status: criteria provided, multiple submitters, no conflicts (2 of 4 stars). 2 submissions from 2 submitters: Uncertain significance (2). Last evaluated 2023-05-22.

Conditions:
LAMA2-related muscular dystrophy (LAMA2-RD). Also called: Laminin alpha 2-related dystrophy. Identifiers: MedGen C5679788, MONDO:0100228.

Allele frequency attached by ClinVar (database versions not stated): gnomAD 0.00001; gnomAD exomes 0.00001; TOPMed 0.00001.
gnomAD v4.1: 8 of 1,613,848 alleles (0.0005%); highest among the groups gnomAD compares: Admixed American, 0.0067%; no homozygotes.

Submissions (2):

Revvity Omics, Revvity
Classification: Uncertain significance. Last evaluated: 2023-05-22. Review status: criteria provided, single submitter. Criteria: ACMG Guidelines, 2015. Collection method: clinical testing. Allele origin: germline.

Labcorp Genetics (formerly Invitae), Labcorp
Classification: Uncertain significance for LAMA2-related muscular dystrophy. Last evaluated: 2022-03-21. Review status: criteria provided, single submitter. Criteria: Invitae Variant Classification Sherloc (09022015). Collection method: clinical testing. Allele origin: germline.
Comment: This sequence change replaces serine, which is neutral and polar, with asparagine, which is neutral and polar, at codon 2075 of the LAMA2 protein (p.Ser2075Asn). This variant is present in population databases (no rsID available, gnomAD 0.006%). This variant has not been reported in the literature in individuals affected with LAMA2-related conditions. Advanced modeling of protein sequence and biophysical properties (such as structural, functional, and spatial information, amino acid conservation, physicochemical variation, residue mobility, and thermodynamic stability) performed at Invitae indicates that this missense variant is not expected to disrupt LAMA2 protein function. In summary, the available evidence is currently insufficient to determine the role of this variant in disease. Therefore, it has been classified as a Variant of Uncertain Significance.

NM_000426.4(LAMA2):c.6224G>A (p.Ser2075Asn)

Genes: LAMA2 (laminin subunit alpha 2; plus strand), LOC123864065 (Sharpr-MPRA regulatory region 661; plus strand). Cytogenetic location: 6q22.33.
Variant type: single nucleotide variant.
Coding change: c.6224G>A on transcript NM_000426.4 (MANE Select); coding-DNA position 6224, G replaced by A.
Protein change: p.Ser2075Asn; replaces serine 2075 with asparagine.
Molecular consequence: missense variant.
Genome position (GRCh38, 1-based): chr6:129,440,954, G>A. VCF-style: chr6-129440954-G-A. GRCh37 (hg19) VCF-style: chr6-129762099-G-A.
Other names: c.6224G>A, p.Ser2075Asn (NM_001079823.2); short protein forms S2075N.
Identifiers: ClinVar variation 2156951 (VCV002156951.3), dbSNP rs910146690, ClinGen allele CA146917162.